The following is an entry in ClinVar:

ClinVar aggregate classification (germline): Pathogenic (1 of 4 stars; one submission).

Conditions:
Congenital myasthenic syndrome 9. Also called: Myasthenic syndrome, congenital, 9, associated with acetylcholine receptor deficiency. Identifiers: Orphanet 590, MedGen C4225368, MONDO:0014587, OMIM 616325.
Fetal akinesia deformation sequence 1 (FADS1). Also called: Pena-Shokeir syndrome type I; Fetal akinesia sequence. Identifiers: Orphanet 994, MedGen C1276035, MONDO:0100101, OMIM 208150, HP:0001989.

Submission:

Labcorp Genetics (formerly Invitae), Labcorp
Classification: Pathogenic for Congenital myasthenic syndrome 9; Fetal akinesia deformation sequence 1. Last evaluated: 2024-01-18. Review status: criteria provided, single submitter. Criteria: Invitae Variant Classification Sherloc (09022015). Collection method: clinical testing. Allele origin: germline.
Comment: This variant is a gross deletion of the genomic region encompassing exon(s) 6 of the MUSK gene. This deletion is out-of-frame, and is expected to create a premature termination codon and result in an absent or disrupted protein product. Loss-of-function variants in MUSK are known to be pathogenic (PMID: 8653786, 25612909, 25695962, 25900532). This variant has not been reported in the literature in individuals affected with MUSK-related conditions. For these reasons, this variant has been classified as Pathogenic.

Literature cited by the submitters: PubMed 8653786; PubMed 25612909; PubMed 25695962; PubMed 25900532.

NC_000009.12:g.(?_110734231)_(110734395_?)del

Gene: MUSK (muscle associated receptor tyrosine kinase; plus strand). Cytogenetic location: 9q31.3.
Variant type: Deletion.
Identifiers: ClinVar variation 476127 (VCV000476127.8).